The following is an entry in ClinVar:

ClinVar aggregate classification (germline): Uncertain significance (1 of 4 stars; one submission).

Allele frequency attached by ClinVar (database versions not stated): TOPMed below 0.00001; gnomAD exomes 0.00001.
gnomAD v4.1: 18 of 1,613,890 alleles (0.0011%); highest among the groups gnomAD compares: Non-Finnish European, 0.0015%; no homozygotes.

Submission:

Labcorp Genetics (formerly Invitae), Labcorp
Classification: Uncertain significance. Last evaluated: 2023-05-23. Review status: criteria provided, single submitter. Criteria: Invitae Variant Classification Sherloc (09022015). Collection method: clinical testing. Allele origin: germline.
Comment: This sequence change replaces glutamine, which is neutral and polar, with proline, which is neutral and non-polar, at codon 263 of the RELA protein (p.Gln263Pro). This variant is present in population databases (no rsID available, gnomAD 0.0009%). This variant has not been reported in the literature in individuals affected with RELA-related conditions. ClinVar contains an entry for this variant (Variation ID: 1943523). An algorithm developed to predict the effect of missense changes on protein structure and function (PolyPhen-2) suggests that this variant is likely to be tolerated. In summary, the available evidence is currently insufficient to determine the role of this variant in disease. Therefore, it has been classified as a Variant of Uncertain Significance.

NM_021975.4(RELA):c.788A>C (p.Gln263Pro)

Gene: RELA (RELA proto-oncogene, NF-kB subunit; minus strand). Cytogenetic location: 11q13.1.
Variant type: single nucleotide variant.
Coding change: c.788A>C on transcript NM_021975.4 (MANE Select); coding-DNA position 788, A replaced by C.
Protein change: p.Gln263Pro; replaces glutamine 263 with proline.
Molecular consequence: missense variant.
Genome position (GRCh38, 1-based): chr11:65,658,376, T>G on the plus strand (A>C on the coding strand, the complement: RELA is on the minus strand). VCF-style: chr11-65658376-T-G. GRCh37 (hg19) VCF-style: chr11-65425847-T-G.
Other names: c.779A>C, p.Gln260Pro (NM_001145138.2); c.788A>C, p.Gln263Pro (NM_001243984.2, NM_001243985.2); c.821A>C, p.Gln274Pro (NM_001404657.1); c.761A>C, p.Gln254Pro (NM_001404658.1); c.407A>C, p.Gln136Pro (NM_001404661.1); c.695A>C, p.Gln232Pro (NM_001404662.1, NM_001404663.1); short protein forms Q232P, Q254P, Q136P, Q263P, Q260P, Q274P.
Identifiers: ClinVar variation 1943523 (VCV001943523.5), dbSNP rs1359669742, ClinGen allele CA381390871.